The following is an entry in ClinVar:

NM_000218.3(KCNQ1):c.1427T>C (p.Met476Thr)

Genes: KCNQ1 (potassium voltage-gated channel subfamily Q member 1; plus strand), KCNQ1OT1 (KCNQ1 opposite strand/antisense transcript 1; minus strand). Cytogenetic location: 11p15.5.
Variant type: single nucleotide variant.
Coding change: c.1427T>C on transcript NM_000218.3 (MANE Select); coding-DNA position 1427, T replaced by C.
Protein change: p.Met476Thr; replaces methionine 476 with threonine.
Molecular consequence: missense variant.
Genome position (GRCh38, 1-based): chr11:2,661,994, T>C. VCF-style: chr11-2661994-T-C. GRCh37 (hg19) VCF-style: chr11-2683224-T-C.
Other names: c.1331T>C, p.Met444Thr (NM_001406836.1); c.1157T>C, p.Met386Thr (NM_001406837.1); c.887T>C, p.Met296Thr (NM_001406838.1); c.1046T>C, p.Met349Thr (NM_181798.2); short protein forms M349T, M476T, M296T, M386T, M444T.
Identifiers: ClinVar variation 923431 (VCV000923431.6), dbSNP rs767215260, ClinGen allele CA029908.

ClinVar aggregate classification (germline): Uncertain significance (1 of 4 stars; one submission).

Conditions:
Cardiac arrhythmia. Also called: Cardiac rhythm disease; Arrhythmia. Identifiers: MedGen C0003811, MONDO:0007263, HP:0011675.

Allele frequency attached by ClinVar (database versions not stated): gnomAD 0.00001; ExAC 0.00001; gnomAD exomes 0.00001.
gnomAD v4.1: 8 of 1,614,094 alleles (0.0005%); highest among the groups gnomAD compares: Middle Eastern, 0.016%; no homozygotes.

Submission:

Color Diagnostics, LLC DBA Color Health
Classification: Uncertain significance for Cardiac arrhythmia. Last evaluated: 2024-11-13. Review status: criteria provided, single submitter. Criteria: ACMG Guidelines, 2015. Collection method: clinical testing. Allele origin: germline.
Comment: This missense variant replaces methionine with threonine at codon 476 of the KCNQ1 protein. Computational prediction suggests that this variant may not impact protein structure and function. To our knowledge, functional studies have not been reported for this variant. This variant has not been reported in individuals affected with KCNQ1-related disorders in the literature. This variant has not been identified in the general population by the Genome Aggregation Database (gnomAD). The available evidence is insufficient to determine the role of this variant in disease conclusively. Therefore, this variant is classified as a Variant of Uncertain Significance.